The following is an entry in ClinVar:

ClinVar aggregate classification (germline): Uncertain significance. Review status: criteria provided, multiple submitters, no conflicts (2 of 4 stars). 3 submissions from 3 submitters: Uncertain significance (3). Last evaluated 2022-03-15.

Conditions:
Inborn genetic diseases. Identifiers: MedGen C0950123, MeSH D030342.

Allele frequency attached by ClinVar (database versions not stated): ExAC 0.00002; gnomAD exomes 0.00002; gnomAD 0.00007 and 0.00008; ESP Exome Variant Server 0.00008; TOPMed 0.00010.
gnomAD v4.1: 43 of 1,559,878 alleles (0.0028%); highest among the groups gnomAD compares: African/African-American, 0.022%; no homozygotes.

Submissions (3):

Blueprint Genetics
Classification: Uncertain significance. Last evaluated: 2022-03-15. Review status: criteria provided, single submitter. Criteria: ACMG Guidelines, 2015. Collection method: clinical testing. Allele origin: germline.

Labcorp Genetics (formerly Invitae), Labcorp
Classification: Uncertain significance. Last evaluated: 2021-08-27. Review status: criteria provided, single submitter. Criteria: Invitae Variant Classification Sherloc (09022015). Collection method: clinical testing. Allele origin: germline.
Comment: This sequence change replaces glutamic acid with glutamine at codon 645 of the PDE6C protein (p.Glu645Gln). The glutamic acid residue is highly conserved and there is a small physicochemical difference between glutamic acid and glutamine. This variant is present in population databases (rs369766290, ExAC 0.02%). This variant has not been reported in the literature in individuals affected with PDE6C-related conditions. Algorithms developed to predict the effect of missense changes on protein structure and function are either unavailable or do not agree on the potential impact of this missense change (SIFT: "Deleterious"; PolyPhen-2: "Possibly Damaging"; Align-GVGD: "Class C0"). In summary, the available evidence is currently insufficient to determine the role of this variant in disease. Therefore, it has been classified as a Variant of Uncertain Significance.

Ambry Genetics
Classification: Uncertain significance for Inborn genetic diseases. Last evaluated: 2021-07-26. Review status: criteria provided, single submitter. Criteria: Ambry Variant Classification Scheme 2023. Collection method: clinical testing. Allele origin: germline.

NM_006204.4(PDE6C):c.1933G>C (p.Glu645Gln)

Gene: PDE6C (phosphodiesterase 6C; plus strand). Cytogenetic location: 10q23.33.
Variant type: single nucleotide variant.
Coding change: c.1933G>C on transcript NM_006204.4 (MANE Select); coding-DNA position 1933, G replaced by C.
Protein change: p.Glu645Gln; replaces glutamic acid 645 with glutamine.
Molecular consequence: missense variant.
Genome position (GRCh38, 1-based): chr10:93,646,045, G>C. VCF-style: chr10-93646045-G-C. GRCh37 (hg19) VCF-style: chr10-95405802-G-C.
Other names: c.1933G>C (NM_006204.3); short protein forms E645Q.
Identifiers: ClinVar variation 1421970 (VCV001421970.7), dbSNP rs369766290, ClinGen allele CA5610336.
Genomic context (GRCh38, chr10:93,646,045, plus strand): 5'-CATGGTTCTTCTATTTTGGAGAGGCACCACCTGGAGTACAGTAAGACTCTGTTGCAGGAT[G>C]AGGTACGTAAACCTCTCTTTAGGACAGCTAAACACAAATTCTGGATCAAAGCACTAACCC-3'
Protein context (NP_006195.3, residues 635-655): LEYSKTLLQD[Glu645Gln]SLNIFQNLNK